The following is an entry in ClinVar:

NM_003482.4(KMT2D):c.9618A>C (p.Gly3206=)

Gene: KMT2D (lysine methyltransferase 2D; minus strand). Cytogenetic location: 12q13.12.
Variant type: single nucleotide variant.
Coding change: c.9618A>C on transcript NM_003482.4 (MANE Select); coding-DNA position 9618, A replaced by C.
Protein change: p.Gly3206=; no amino-acid change (glycine 3206 retained).
Molecular consequence: synonymous variant.
Genome position (GRCh38, 1-based): chr12:49,037,738, T>G on the plus strand (A>C on the coding strand, the complement: KMT2D is on the minus strand). VCF-style: chr12-49037738-T-G. GRCh37 (hg19) VCF-style: chr12-49431521-T-G.
Identifiers: ClinVar variation 3031163 (VCV003031163.2), dbSNP rs1943291002, ClinGen allele CA479709967.
Genomic context (GRCh38, chr12:49,037,738, plus strand): 5'-AGGTCCACCAGGCAAGGTCAAAGCCCCACTCTCGAGCTCAAACTTTTCCAGCAGGGAGGA[T>G]CCTCCTGGGCCACTCAGTGGGCTGGGGGTCAGCAGGTGAGCTGGTGGTCCTCCCGTGGCC-3'
Protein context (NP_003473.3, residues 3196-3216): LTPSPLSGPG[Gly3206=]SSLLEKFELE

ClinVar aggregate classification (germline): Likely benign (0 of 4 stars; one submission).

Conditions:
KMT2D-related disorder. Also called: KMT2D-Related Disorders.

Submission:

PreventionGenetics, part of Exact Sciences
Classification: Likely benign for KMT2D-related condition. Last evaluated: 2021-03-31. Review status: no assertion criteria provided. Collection method: clinical testing. Allele origin: germline.
Comment: This variant is classified as likely benign based on ACMG/AMP sequence variant interpretation guidelines (Richards et al. 2015 PMID: 25741868, with internal and published modifications).